The following is an entry in ClinVar:

NM_133372.3(FNIP1):c.2191A>C (p.Lys731Gln)

Gene: FNIP1 (folliculin interacting protein 1; minus strand). Cytogenetic location: 5q31.1.
Variant type: single nucleotide variant.
Coding change: c.2191A>C on transcript NM_133372.3 (MANE Select); coding-DNA position 2191, A replaced by C.
Protein change: p.Lys731Gln; replaces lysine 731 with glutamine.
Molecular consequence: missense variant.
Genome position (GRCh38, 1-based): chr5:131,672,253, T>G on the plus strand (A>C on the coding strand, the complement: FNIP1 is on the minus strand). VCF-style: chr5-131672253-T-G. GRCh37 (hg19) VCF-style: chr5-131007946-T-G.
Other names: c.2107A>C, p.Lys703Gln (NM_001008738.3); c.2056A>C, p.Lys686Gln (NM_001346114.2); short protein forms K686Q, K731Q, K703Q.
Identifiers: ClinVar variation 2109869 (VCV002109869.4), dbSNP rs1767780824, ClinGen allele CA360790974.

ClinVar aggregate classification (germline): Uncertain significance (1 of 4 stars; one submission).

gnomAD v4.1: 1 of 1,614,206 alleles (0.000062%); highest among the groups gnomAD compares: Non-Finnish European, 0.000085%; no homozygotes.

Submission:

Labcorp Genetics (formerly Invitae), Labcorp
Classification: Uncertain significance. Last evaluated: 2022-03-12. Review status: criteria provided, single submitter. Criteria: Invitae Variant Classification Sherloc (09022015). Collection method: clinical testing. Allele origin: germline.
Comment: This variant is not present in population databases (gnomAD no frequency). In summary, the available evidence is currently insufficient to determine the role of this variant in disease. Therefore, it has been classified as a Variant of Uncertain Significance. Algorithms developed to predict the effect of missense changes on protein structure and function are either unavailable or do not agree on the potential impact of this missense change (SIFT: "Tolerated"; PolyPhen-2: "Probably Damaging"; Align-GVGD: "Class C0"). This variant has not been reported in the literature in individuals affected with FNIP1-related conditions. This sequence change replaces lysine, which is basic and polar, with glutamine, which is neutral and polar, at codon 731 of the FNIP1 protein (p.Lys731Gln).